The following is an entry in ClinVar:

ClinVar aggregate classification (germline): Uncertain significance (1 of 4 stars; one submission).

Conditions:
Colobomatous microphthalmia-rhizomelic dysplasia syndrome (MCSKS). Also called: Microphthalmia/coloboma and skeletal dysplasia syndrome. Identifiers: Orphanet 424099, MedGen C4014540, MONDO:0014380, OMIM 615877.

Submission:

Centre for Mendelian Genomics, University Medical Centre Ljubljana
Classification: Uncertain significance for Colobomatous microphthalmia-rhizomelic dysplasia syndrome. Last evaluated: 2016-01-01. Review status: criteria provided, single submitter. Criteria: ACMG Guidelines, 2015. Collection method: clinical testing. Allele origin: unknown. Affected: yes.
Comment: This variant was classified as: Uncertain significance.

NM_006439.5(MAB21L2):c.343G>T (p.Glu115Ter)

Genes: MAB21L2 (mab-21 like 2; plus strand), LRBA (LPS responsive beige-like anchor protein; minus strand). Cytogenetic location: 4q31.3.
Variant type: single nucleotide variant.
Coding change: c.343G>T on transcript NM_006439.5 (MANE Select); coding-DNA position 343, G replaced by T.
Protein change: p.Glu115Ter; replaces glutamic acid 115 with a stop codon.
Molecular consequence: nonsense. On other transcripts: intron variant (6).
Genome position (GRCh38, 1-based): chr4:150,583,372, G>T. VCF-style: chr4-150583372-G-T. GRCh37 (hg19) VCF-style: chr4-151504524-G-T.
Other names: c.6330+4676C>A (NM_001367550.1, NM_001199282.3, NM_001364905.1 and 1 more transcripts); c.6363+4676C>A (NM_006726.5, NM_001440430.1); short protein forms E115*.
Identifiers: ClinVar variation 931116 (VCV000931116.3), dbSNP rs1328813338, ClinGen allele CA358602833.
Genomic context (GRCh38, chr4:150,583,372, plus strand): 5'-CCCGGCTGCGCAGTGCTCAAACTGAGCGATGGGCGGAAGCGGAGCATGTCTCTCTGGGTC[G>T]AGTTCATCACGGCGTCGGGCTATCTCTCAGCGCGTAAGATCCGCTCGCGTTTCCAGACGC-3'